The following is an entry in ClinVar:

NM_001369369.1(FOXN1):c.988G>A (p.Glu330Lys)

Gene: FOXN1 (forkhead box N1; plus strand). Cytogenetic location: 17q11.2.
Variant type: single nucleotide variant.
Coding change: c.988G>A on transcript NM_001369369.1 (MANE Select); coding-DNA position 988, G replaced by A.
Protein change: p.Glu330Lys; replaces glutamic acid 330 with lysine.
Molecular consequence: missense variant.
Genome position (GRCh38, 1-based): chr17:28,534,391, G>A. VCF-style: chr17-28534391-G-A. GRCh37 (hg19) VCF-style: chr17-26861409-G-A.
Other names: c.988G>A, p.Glu330Lys (NM_003593.3); c.988G>A (NM_003593.2); short protein forms E330K.
Identifiers: ClinVar variation 1040799 (VCV001040799.28), dbSNP rs199983506, ClinGen allele CA8459417.

ClinVar aggregate classification (germline): Uncertain significance. Review status: criteria provided, multiple submitters, no conflicts (2 of 4 stars). 3 submissions from 3 submitters: Uncertain significance (3). Last evaluated 2024-12-12.

Conditions:
Inborn genetic diseases. Identifiers: MedGen C0950123, MeSH D030342.
T-cell immunodeficiency, congenital alopecia, and nail dystrophy. Also called: Congenital alopecia and nail dystrophy associated with severe functional T-cell immunodeficiency; Pignata Guarino syndrome. Identifiers: Orphanet 169095, MedGen C1866426, MONDO:0011132, OMIM 601705.

Allele frequency attached by ClinVar (database versions not stated): ExAC 0.00007; gnomAD exomes 0.00007 and 0.00009; gnomAD 0.00008 and 0.00009; TOPMed 0.00008.

Submissions (3):

Labcorp Genetics (formerly Invitae), Labcorp
Classification: Uncertain significance for T-cell immunodeficiency, congenital alopecia, and nail dystrophy. Last evaluated: 2024-12-12. Review status: criteria provided, single submitter. Criteria: Invitae Variant Classification Sherloc (09022015). Collection method: clinical testing. Allele origin: germline.
Comment: This sequence change replaces glutamic acid, which is acidic and polar, with lysine, which is basic and polar, at codon 330 of the FOXN1 protein (p.Glu330Lys). This variant is present in population databases (rs199983506, gnomAD 0.01%). This variant has not been reported in the literature in individuals affected with FOXN1-related conditions. ClinVar contains an entry for this variant (Variation ID: 1040799). Invitae Evidence Modeling of protein sequence and biophysical properties (such as structural, functional, and spatial information, amino acid conservation, physicochemical variation, residue mobility, and thermodynamic stability) indicates that this missense variant is not expected to disrupt FOXN1 protein function with a negative predictive value of 80%. In summary, the available evidence is currently insufficient to determine the role of this variant in disease. Therefore, it has been classified as a Variant of Uncertain Significance.

Ambry Genetics
Classification: Uncertain significance for Inborn genetic diseases. Last evaluated: 2024-06-10. Review status: criteria provided, single submitter. Criteria: Ambry Variant Classification Scheme 2023. Collection method: clinical testing. Allele origin: germline.

CeGaT Center for Human Genetics Tuebingen
Classification: Uncertain significance. Last evaluated: 2022-08-01. Review status: criteria provided, single submitter. Criteria: CeGaT Center For Human Genetics Tuebingen Variant Classification Criteria Version 2. Collection method: clinical testing. Allele origin: germline. Affected: yes. Observed: 1 variant allele.
Comment: FOXN1: PP2, PP3